The following is an entry in ClinVar:

NM_001032386.2(SUOX):c.599C>T (p.Pro200Leu)

Gene: SUOX (sulfite oxidase; plus strand). Cytogenetic location: 12q13.2.
Variant type: single nucleotide variant.
Coding change: c.599C>T on transcript NM_001032386.2 (MANE Select); coding-DNA position 599, C replaced by T.
Protein change: p.Pro200Leu; replaces proline 200 with leucine.
Molecular consequence: missense variant.
Genome position (GRCh38, 1-based): chr12:56,003,988, C>T. VCF-style: chr12-56003988-C-T. GRCh37 (hg19) VCF-style: chr12-56397772-C-T.
Other names: c.599C>T, p.Pro200Leu (NM_000456.3, NM_001032387.2); short protein forms P200L.
Identifiers: ClinVar variation 930742 (VCV000930742.4), dbSNP rs1435587153, ClinGen allele CA385285152.
Genomic context (GRCh38, chr12:56,003,988, plus strand): 5'-CTGTACGTCACCCAGCCCTGAAGGTCAACAGCCAGCGGCCCTTTAATGCAGAGCCTCCCC[C>T]TGAGCTGCTGACAGAAAACTACATCACACCCAACCCTATCTTCTTCACCCGGAACCATCT-3'
Protein context (NP_001027558.1, residues 190-210): SQRPFNAEPP[Pro200Leu]ELLTENYITP

ClinVar aggregate classification (germline): Likely pathogenic (1 of 4 stars; one submission).

Conditions:
Sulfite oxidase deficiency. Also called: Isolated sulfite oxidase deficiency. Identifiers: Orphanet 833, Orphanet 99731, MedGen C0268624, MONDO:0010089, OMIM 272300, HP:0003643.

gnomAD v4.1: 3 of 1,614,180 alleles (0.00019%); highest among the groups gnomAD compares: African/African-American, 0.0013%; no homozygotes.

Submission:

Centre for Mendelian Genomics, University Medical Centre Ljubljana
Classification: Likely pathogenic for Sulfite oxidase deficiency. Last evaluated: 2019-07-30. Review status: criteria provided, single submitter. Criteria: ACMG Guidelines, 2015. Collection method: clinical testing. Allele origin: unknown. Affected: yes.
Comment: This variant was classified as: Likely pathogenic. The following ACMG criteria were applied in classifying this variant: PM1,PM2,PP2,PP3.